The following is an entry in ClinVar:

NM_182931.3(KMT2E):c.1468A>G (p.Lys490Glu)

Gene: KMT2E (lysine methyltransferase 2E (inactive); plus strand). Cytogenetic location: 7q22.3.
Variant type: single nucleotide variant.
Coding change: c.1468A>G on transcript NM_182931.3 (MANE Select); coding-DNA position 1468, A replaced by G.
Protein change: p.Lys490Glu; replaces lysine 490 with glutamic acid.
Molecular consequence: missense variant.
Genome position (GRCh38, 1-based): chr7:105,090,118, A>G. VCF-style: chr7-105090118-A-G. GRCh37 (hg19) VCF-style: chr7-104730565-A-G.
Other names: c.1468A>G, p.Lys490Glu (NM_001410908.1, NM_018682.4); short protein forms K490E.
Identifiers: ClinVar variation 4885025 (VCV004885025.2).

ClinVar aggregate classification (germline): Uncertain significance (1 of 4 stars; one submission).

Submission:

Dasa
Classification: Uncertain significance. Last evaluated: 2024-10-22. Review status: criteria provided, single submitter. Criteria: DASA Assertion Criteria. Collection method: clinical testing. Allele origin: germline.
Comment: NM_182931.3(KMT2E):c.1468A>G (p.Lys490Glu) is a missense variant that results in the substitution of lysine with glutamic acid. This variant is absent from population databases. The currently available literature and clinical evidence are not sufficient to establish a definitive association between this variant and the reported condition. Therefore, this variant is classified as a variant of uncertain significance.